The following is an entry in ClinVar:

G6PD VARNSDORF

Gene: G6PD (glucose-6-phosphate dehydrogenase; minus strand). Cytogenetic location: Xq28.
Variant type: Deletion.
Molecular consequence: splice acceptor variant (on NM_001360016.2).
Genome position: GRCh38 VCF-style: chrX-154532461-TTC-T. GRCh37 (hg19) VCF-style: chrX-153760676-TTC-T.
Other names: G6PD, IVS10AS, 2-BP DEL, AG, -2; G6PD Varnsdorf; c.1378-1_1378del (NM_000402.4); c.1288-1_1288del (NM_001042351.3, NM_001360016.2).
Identifiers: ClinVar variation 10421 (VCV000010421.4), dbSNP rs2070350009, ClinGen allele CA1139667908.

ClinVar aggregate classification (germline): Pathogenic. Review status: criteria provided, single submitter (1 of 4 stars). 2 submissions from 2 submitters: Pathogenic (1). 1 of the submissions does not count toward it. Last evaluated 2022-08-12.

Conditions:
Anemia, nonspherocytic hemolytic, due to G6PD deficiency (CNSHA1). Also called: Class I glucose-6-phosphate dehydrogenase deficiency; ANEMIA, CONGENITAL, NONSPHEROCYTIC HEMOLYTIC, 1; Hemolytic anemia due to G6PD deficiency; Favism, susceptibility to. Identifiers: Orphanet 466026, MedGen C2720289, MONDO:0010480, OMIM 300908.
G6PD VARNSDORF.

Submissions (2):

Dunham Lab, University of Washington
Classification: Pathogenic for Anemia, nonspherocytic hemolytic, due to G6PD deficiency. Last evaluated: 2022-08-12. Review status: criteria provided, single submitter. Criteria: Bayesian ACMG Guidelines, 2018. Collection method: curation. Allele origin: unknown. Affected: yes.
Comment: Decreased activity in red blood cells (18%) (PS3). Deletion of canonical AG 3' acceptor splice site (PVS1) leads to deletion of three amino acids (PM4). Not found in gnomAD (PM2). Post_P 0.99996 (odds of pathogenicity 255240, Prior_P 0.1).

OMIM
Classification: other for G6PD VARNSDORF. Last evaluated: 2013-04-18. Review status: no assertion criteria provided. Collection method: literature only. Allele origin: germline. Not counted in ClinVar's aggregate classification.

Literature cited by the submitters: PubMed 7803800 (cited by Dunham Lab, University of Washington); PubMed 15466166 (cited by OMIM).